The following is an entry in ClinVar:

NM_017617.5(NOTCH1):c.*14C>G

Gene: NOTCH1 (notch receptor 1; minus strand). Cytogenetic location: 9q34.3.
Variant type: single nucleotide variant.
Coding change: c.*14C>G on transcript NM_017617.5 (MANE Select); 14 bases downstream of the stop codon, C replaced by G.
Molecular consequence: 3 prime UTR variant.
Genome position (GRCh38, 1-based): chr9:136,496,057, G>C on the plus strand (C>G on the coding strand, the complement: NOTCH1 is on the minus strand). VCF-style: chr9-136496057-G-C. GRCh37 (hg19) VCF-style: chr9-139390509-G-C.
Identifiers: ClinVar variation 4853628 (VCV004853628.1).

ClinVar aggregate classification (germline): Benign (1 of 4 stars; one submission).

gnomAD v4.1: 25 of 1,592,544 alleles (0.0016%); highest among the groups gnomAD compares: South Asian, 0.024%; no homozygotes.

Submission:

Women's Health and Genetics/Laboratory Corporation of America, LabCorp
Classification: Benign. Last evaluated: 2026-05-01. Review status: criteria provided, single submitter. Criteria: LabCorp Variant Classification Summary - May 2015. Collection method: clinical testing. Allele origin: germline.
Comment: Variant summary: NOTCH1 c.*14C>G is located in the untranslated mRNA region downstream of the termination codon. The variant allele was found at a frequency of 4.6e-05 in 216742 control chromosomes. The observed variant frequency exceeds the estimated maximal expected allele frequency for disease-causing variants in NOTCH1. To our knowledge, no occurrence of c.*14C>G in individuals affected with NOTCH1-related conditions and no experimental evidence demonstrating its impact on protein function have been reported. No submitters have cited clinical-significance assessments for this variant to ClinVar. Based on the evidence outlined above, the variant was classified as benign.